The following is an entry in ClinVar:

NM_001184.4(ATR):c.4891C>T (p.Arg1631Cys)

Gene: ATR (ATR checkpoint kinase; minus strand). Cytogenetic location: 3q23.
Variant type: single nucleotide variant.
Coding change: c.4891C>T on transcript NM_001184.4 (MANE Select); coding-DNA position 4891, C replaced by T.
Protein change: p.Arg1631Cys; replaces arginine 1631 with cysteine.
Molecular consequence: missense variant.
Genome position (GRCh38, 1-based): chr3:142,508,071, G>A on the plus strand (C>T on the coding strand, the complement: ATR is on the minus strand). VCF-style: chr3-142508071-G-A. GRCh37 (hg19) VCF-style: chr3-142226913-G-A.
Other names: c.4699C>T, p.Arg1567Cys (NM_001354579.2); short protein forms R1567C, R1631C.
Identifiers: ClinVar variation 2571189 (VCV002571189.29), dbSNP rs745782942, ClinGen allele CA2649721.

ClinVar aggregate classification (germline): Uncertain significance. Review status: criteria provided, multiple submitters, no conflicts (2 of 4 stars). 2 submissions from 2 submitters: Uncertain significance (2). Last evaluated 2024-09-03.

Allele frequency attached by ClinVar (database versions not stated): ExAC 0.00001; gnomAD 0.00001; TOPMed 0.00001.
gnomAD v4.1: 39 of 1,612,562 alleles (0.0024%); highest among the groups gnomAD compares: Non-Finnish European, 0.0031%; no homozygotes.

Submissions (2):

Labcorp Genetics (formerly Invitae), Labcorp
Classification: Uncertain significance. Last evaluated: 2024-09-03. Review status: criteria provided, single submitter. Criteria: Invitae Variant Classification Sherloc (09022015). Collection method: clinical testing. Allele origin: germline.
Comment: This sequence change replaces arginine, which is basic and polar, with cysteine, which is neutral and slightly polar, at codon 1631 of the ATR protein (p.Arg1631Cys). This variant is present in population databases (rs745782942, gnomAD 0.003%). This variant has not been reported in the literature in individuals affected with ATR-related conditions. ClinVar contains an entry for this variant (Variation ID: 2571189). An algorithm developed to predict the effect of missense changes on protein structure and function (PolyPhen-2) suggests that this variant is likely to be tolerated. In summary, the available evidence is currently insufficient to determine the role of this variant in disease. Therefore, it has been classified as a Variant of Uncertain Significance.

CeGaT Center for Human Genetics Tuebingen
Classification: Uncertain significance. Last evaluated: 2024-01-01. Review status: criteria provided, single submitter. Criteria: CeGaT Center For Human Genetics Tuebingen Variant Classification Criteria Version 2. Collection method: clinical testing. Allele origin: germline. Affected: yes. Observed: 2 variant alleles.
Comment: ATR: PP2, BP4